The following is an entry in ClinVar:

ClinVar aggregate classification (germline): Uncertain significance (1 of 4 stars; one submission).

Submission:

CeGaT Center for Human Genetics Tuebingen
Classification: Uncertain significance. Last evaluated: 2023-03-01. Review status: criteria provided, single submitter. Criteria: CeGaT Center For Human Genetics Tuebingen Variant Classification Criteria Version 2. Collection method: clinical testing. Allele origin: germline. Affected: yes. Observed: 1 variant allele.
Comment: ZNF462: PM2, PS2:Moderate, BP1

NM_021224.6(ZNF462):c.5114C>G (p.Thr1705Ser)

Gene: ZNF462 (zinc finger protein 462; plus strand). Cytogenetic location: 9q31.2.
Variant type: single nucleotide variant.
Coding change: c.5114C>G on transcript NM_021224.6 (MANE Select); coding-DNA position 5114, C replaced by G.
Protein change: p.Thr1705Ser; replaces threonine 1705 with serine.
Molecular consequence: missense variant. On other transcripts: intron variant (1).
Genome position (GRCh38, 1-based): chr9:106,929,026, C>G. VCF-style: chr9-106929026-C-G. GRCh37 (hg19) VCF-style: chr9-109691307-C-G.
Other names: c.3253-1499C>G (NM_001347997.2); short protein forms T1705S.
Identifiers: ClinVar variation 2499101 (VCV002499101.28), dbSNP rs2538807902, ClinGen allele CA374413658.
Genomic context (GRCh38, chr9:106,929,026, plus strand): 5'-ATGTCCGAGCCCAGCCAGAAGGCAAGAACAACCTCTTCAAGTGTGCCCTGTGTGCCTACA[C>G]CAACCCCATCCGCAAAGGTCTGGCAGCCCACTACCAGAAGCGCCACGACATTGATGCGTA-3'
Protein context (NP_067047.4, residues 1695-1715): NLFKCALCAY[Thr1705Ser]NPIRKGLAAH